The following is an entry in ClinVar:

NM_005215.4(DCC):c.849G>A (p.Arg283=)

Gene: DCC (DCC netrin 1 receptor; plus strand). Cytogenetic location: 18q21.2.
Variant type: single nucleotide variant.
Coding change: c.849G>A on transcript NM_005215.4 (MANE Select); coding-DNA position 849, G replaced by A.
Protein change: p.Arg283=; no amino-acid change (arginine 283 retained).
Molecular consequence: synonymous variant.
Genome position (GRCh38, 1-based): chr18:52,925,234, G>A. VCF-style: chr18-52925234-G-A. GRCh37 (hg19) VCF-style: chr18-50451604-G-A.
Identifiers: ClinVar variation 3373266 (VCV003373266.1).

ClinVar aggregate classification (germline): Uncertain significance (1 of 4 stars; one submission).

gnomAD v4.1: 1 of 1,611,850 alleles (0.000062%); no homozygotes.

Submission:

GeneDx
Classification: Uncertain significance. Last evaluated: 2024-04-28. Review status: criteria provided, single submitter. Criteria: GeneDx Variant Classification Process June 2021. Collection method: clinical testing. Allele origin: germline. Affected: yes.
Comment: Not observed at significant frequency in large population cohorts (gnomAD); In silico analysis indicates that this variant does not alter splicing; Has not been previously published as pathogenic or benign to our knowledge